The following is an entry in ClinVar:

NM_000548.5(TSC2):c.5205C>T (p.Ile1735=)

Gene: TSC2 (TSC complex subunit 2; plus strand). Cytogenetic location: 16p13.3.
Variant type: single nucleotide variant.
Coding change: c.5205C>T on transcript NM_000548.5 (MANE Select); coding-DNA position 5205, C replaced by T.
Protein change: p.Ile1735=; no amino-acid change (isoleucine 1735 retained).
Molecular consequence: synonymous variant.
Genome position (GRCh38, 1-based): chr16:2,088,271, C>T. VCF-style: chr16-2088271-C-T. GRCh37 (hg19) VCF-style: chr16-2138272-C-T.
Other names: c.5004C>T, p.Ile1668= (NM_001077183.3); c.5136C>T, p.Ile1712= (NM_001114382.3); c.4896C>T, p.Ile1632= (NM_001318827.2); c.4860C>T, p.Ile1620= (NM_001318829.2); c.4473C>T, p.Ile1491= (NM_001318831.2); c.5037C>T, p.Ile1679= (NM_001318832.2); c.5007C>T, p.Ile1669= (NM_001363528.2); c.5073C>T, p.Ile1691= (NM_001370404.1); and 2 more.
Identifiers: ClinVar variation 486672 (VCV000486672.18), dbSNP rs1308899138, ClinGen allele CA493043780.

ClinVar aggregate classification (germline): Benign/Likely benign. Review status: criteria provided, multiple submitters, no conflicts (2 of 4 stars). 5 submissions from 5 submitters: Benign (2); Likely benign (3). Last evaluated 2025-10-12.

Conditions:
Tuberous sclerosis syndrome (TSC). Also called: Tuberous Sclerosis Complex; Tuberous sclerosis. Identifiers: Orphanet 805, MedGen C0041341, MONDO:0001734.
Hereditary cancer-predisposing syndrome. Also called: Tumor predisposition; Neoplastic Syndromes, Hereditary; Hereditary Cancer Syndrome; Hereditary neoplastic syndrome. Identifiers: Orphanet 140162, MedGen C0027672, MeSH D009386, MONDO:0015356.
Tuberous sclerosis 2 (TSC2). Identifiers: Orphanet 805, MedGen C1860707, MONDO:0013199, OMIM 613254.

Allele frequency attached by ClinVar (database versions not stated): TOPMed below 0.00001; gnomAD 0.00001.
gnomAD v4.1: 1 of 1,613,002 alleles (0.000062%); highest among the groups gnomAD compares: African/African-American, 0.0013%; no homozygotes.

Submissions (5):

Color Diagnostics, LLC DBA Color Health
Classification: Likely benign for Tuberous sclerosis syndrome. Last evaluated: 2025-10-12. Review status: criteria provided, single submitter. Criteria: ACMG Guidelines, 2015. Collection method: clinical testing. Allele origin: germline.

Myriad Genetics, Inc.
Classification: Benign for Tuberous sclerosis 2. Last evaluated: 2025-06-06. Review status: criteria provided, single submitter. Criteria: Myriad Autosomal Dominant, Autosomal Recessive and X-Linked Classification Criteria (2023). Collection method: clinical testing. Allele origin: unknown.
Comment: This variant is considered benign. This variant is a silent/synonymous amino acid change and it is not expected to impact splicing.

Labcorp Genetics (formerly Invitae), Labcorp
Classification: Likely benign for Tuberous sclerosis 2. Last evaluated: 2022-02-21. Review status: criteria provided, single submitter. Criteria: Invitae Variant Classification Sherloc (09022015). Collection method: clinical testing. Allele origin: germline.

Genome-Nilou Lab
Classification: Benign for Tuberous sclerosis 2. Last evaluated: 2021-11-07. Review status: criteria provided, single submitter. Criteria: ACMG Guidelines, 2015. Collection method: clinical testing. Allele origin: germline. Affected: no.

Ambry Genetics
Classification: Likely benign for Hereditary cancer-predisposing syndrome. Last evaluated: 2016-08-12. Review status: criteria provided, single submitter. Criteria: Ambry Variant Classification Scheme 2023. Collection method: clinical testing. Allele origin: germline.